The following is an entry in ClinVar:

NM_000059.4(BRCA2):c.6376T>A (p.Cys2126Ser)

Gene: BRCA2 (BRCA2 DNA repair associated; plus strand). Cytogenetic location: 13q13.1.
Variant type: single nucleotide variant.
Coding change: c.6376T>A on transcript NM_000059.4 (MANE Select); coding-DNA position 6376, T replaced by A.
Protein change: p.Cys2126Ser; replaces cysteine 2126 with serine.
Molecular consequence: missense variant.
Genome position (GRCh38, 1-based): chr13:32,340,731, T>A. VCF-style: chr13-32340731-T-A. GRCh37 (hg19) VCF-style: chr13-32914868-T-A.
Other names: short protein forms C2126S.
Identifiers: ClinVar variation 629141 (VCV000629141.7), dbSNP rs1566234451, ClinGen allele CA387789182.

ClinVar aggregate classification (germline): Conflicting classifications of pathogenicity. Review status: criteria provided, conflicting classifications (1 of 4 stars). 2 submissions from 2 submitters: Uncertain significance (1); Likely benign (1). Last evaluated 2023-12-05.

Conditions:
Hereditary cancer-predisposing syndrome. Also called: Neoplastic Syndromes, Hereditary; Tumor predisposition; Hereditary neoplastic syndrome; Hereditary Cancer Syndrome. Identifiers: Orphanet 140162, MedGen C0027672, MeSH D009386, MONDO:0015356.

Allele frequency attached by ClinVar (database versions not stated): TOPMed below 0.00001.

Submissions (2):

Color Diagnostics, LLC DBA Color Health
Classification: Uncertain significance for Hereditary cancer-predisposing syndrome. Last evaluated: 2023-12-05. Review status: criteria provided, single submitter. Criteria: ACMG Guidelines, 2015. Collection method: clinical testing. Allele origin: germline.
Comment: This missense variant replaces cysteine with serine at codon 2126 of the BRCA2 protein. Computational prediction suggests that this variant may not impact protein structure and function (internally defined REVEL score threshold <= 0.5, PMID: 27666373). To our knowledge, functional studies have not been reported for this variant. This variant has not been reported in individuals affected with BRCA2-related disorders in the literature. This variant has not been identified in the general population by the Genome Aggregation Database (gnomAD). The available evidence is insufficient to determine the role of this variant in disease conclusively. Therefore, this variant is classified as a Variant of Uncertain Significance.

University of Washington Department of Laboratory Medicine, University of Washington
Classification: Likely benign for Hereditary cancer-predisposing syndrome. Last evaluated: 2023-03-23. Review status: criteria provided, single submitter. Criteria: Dines et al. (Genet Med. 2020). Collection method: curation. Allele origin: germline.
Comment: Missense variant in a coldspot region where missense variants are very unlikely to be pathogenic (PMID:31911673).

BRCA2 exon 11 coldspot. Reclassification based on statistical prior probability.